The following is an entry in ClinVar:

NM_030632.3(ASXL3):c.1828G>A (p.Glu610Lys)

Gene: ASXL3 (ASXL transcriptional regulator 3; plus strand). Cytogenetic location: 18q12.1.
Variant type: single nucleotide variant.
Coding change: c.1828G>A on transcript NM_030632.3 (MANE Select); coding-DNA position 1828, G replaced by A.
Protein change: p.Glu610Lys; replaces glutamic acid 610 with lysine.
Molecular consequence: missense variant.
Genome position (GRCh38, 1-based): chr18:33,739,232, G>A. VCF-style: chr18-33739232-G-A. GRCh37 (hg19) VCF-style: chr18-31319196-G-A.
Other names: short protein forms E610K.
Identifiers: ClinVar variation 1314815 (VCV001314815.2), dbSNP rs2145413782, ClinGen allele CA402176444.

ClinVar aggregate classification (germline): Uncertain significance (1 of 4 stars; one submission).

Submission:

GeneDx
Classification: Uncertain significance. Last evaluated: 2020-02-16. Review status: criteria provided, single submitter. Criteria: GeneDx Variant Classification Process June 2021. Collection method: clinical testing. Allele origin: germline. Affected: yes.
Comment: Not observed in large population cohorts (Lek et al., 2016); In silico analysis supports that this missense variant does not alter protein structure/function; Has not been previously published as pathogenic or benign to our knowledge